The following is an entry in ClinVar:

NM_001204.7(BMPR2):c.755T>C (p.Met252Thr)

Gene: BMPR2 (bone morphogenetic protein receptor type 2; plus strand). Cytogenetic location: 2q33.2.
Variant type: single nucleotide variant.
Coding change: c.755T>C on transcript NM_001204.7 (MANE Select); coding-DNA position 755, T replaced by C.
Protein change: p.Met252Thr; replaces methionine 252 with threonine.
Molecular consequence: missense variant.
Genome position (GRCh38, 1-based): chr2:202,518,955, T>C. VCF-style: chr2-202518955-T-C. GRCh37 (hg19) VCF-style: chr2-203383678-T-C.
Other names: short protein forms M252T.
Identifiers: ClinVar variation 4867665 (VCV004867665.1).

ClinVar aggregate classification (germline): Uncertain significance (1 of 4 stars; one submission).

Conditions:
Inborn genetic diseases. Identifiers: MedGen C0950123, MeSH D030342.

gnomAD v4.1: 1 of 1,614,226 alleles (0.000062%); no homozygotes.

Submission:

Ambry Genetics
Classification: Uncertain significance for Inborn genetic diseases. Last evaluated: 2026-06-14. Review status: criteria provided, single submitter. Criteria: Ambry Variant Classification Scheme 2023. Collection method: clinical testing. Allele origin: germline.
Comment: The p.M252T variant (also known as c.755T>C), located in coding exon 6 of the BMPR2 gene, results from a T to C substitution at nucleotide position 755. The methionine at codon 252 is replaced by threonine, an amino acid with similar properties. This amino acid position is conserved. In addition, the in silico prediction for this alteration is inconclusive. Based on the available evidence, the clinical significance of this variant remains unclear.